The following is an entry in ClinVar:

ClinVar aggregate classification (germline): Uncertain significance (1 of 4 stars; one submission).

Conditions:
Hereditary breast ovarian cancer syndrome. Also called: Hereditary breast and ovarian cancer syndrome; Hereditary breast and ovarian cancer syndrome (HBOC); BRCA1- and BRCA2-Associated Hereditary Breast and Ovarian Cancer; Hereditary breast and ovarian cancer; Breast and ovarian cancer; Hereditary breast and/or ovarian cancer syndrome. Identifiers: Orphanet 145, MedGen C0677776, MeSH D061325, MONDO:0003582. Disease mechanism: loss of function.

Submission:

Labcorp Genetics (formerly Invitae), Labcorp
Classification: Uncertain significance for Hereditary breast ovarian cancer syndrome. Last evaluated: 2024-03-20. Review status: criteria provided, single submitter. Criteria: Invitae Variant Classification Sherloc (09022015). Collection method: clinical testing. Allele origin: germline.
Comment: This sequence change replaces histidine, which is basic and polar, with aspartic acid, which is acidic and polar, at codon 1165 of the BRCA2 protein (p.His1165Asp). This variant is not present in population databases (gnomAD no frequency). This variant has not been reported in the literature in individuals affected with BRCA2-related conditions. Advanced modeling of protein sequence and biophysical properties (such as structural, functional, and spatial information, amino acid conservation, physicochemical variation, residue mobility, and thermodynamic stability) performed at Invitae indicates that this missense variant is not expected to disrupt BRCA2 protein function with a negative predictive value of 95%. In summary, the available evidence is currently insufficient to determine the role of this variant in disease. Therefore, it has been classified as a Variant of Uncertain Significance.

NM_000059.4(BRCA2):c.3493C>G (p.His1165Asp)

Gene: BRCA2 (BRCA2 DNA repair associated; plus strand). Cytogenetic location: 13q13.1.
Variant type: single nucleotide variant.
Coding change: c.3493C>G on transcript NM_000059.4 (MANE Select); coding-DNA position 3493, C replaced by G.
Protein change: p.His1165Asp; replaces histidine 1165 with aspartic acid.
Molecular consequence: missense variant. On other transcripts: non-coding transcript variant (1), intron variant (2).
Genome position (GRCh38, 1-based): chr13:32,337,848, C>G. VCF-style: chr13-32337848-C-G. GRCh37 (hg19) VCF-style: chr13-32911985-C-G.
Other names: c.3493C>G, p.His1165Asp (NM_001406719.1, NM_001406720.1, NM_001432077.1); c.1909+4461C>G (NM_001406721.1); c.425-6710C>G (NM_001406722.1); short protein forms H1165D.
Identifiers: ClinVar variation 3636459 (VCV003636459.2).